The following is an entry in ClinVar:

NM_016335.6(PRODH):c.1390A>C (p.Asn464His)

Gene: PRODH (proline dehydrogenase 1; minus strand). Cytogenetic location: 22q11.21.
Variant type: single nucleotide variant.
Coding change: c.1390A>C on transcript NM_016335.6 (MANE Select); coding-DNA position 1390, A replaced by C.
Protein change: p.Asn464His; replaces asparagine 464 with histidine.
Molecular consequence: missense variant.
Genome position (GRCh38, 1-based): chr22:18,918,353, T>G on the plus strand (A>C on the coding strand, the complement: PRODH is on the minus strand). VCF-style: chr22-18918353-T-G. GRCh37 (hg19) VCF-style: chr22-18905866-T-G.
Other names: c.1066A>C, p.Asn356His (NM_001195226.2); short protein forms N356H, N464H.
Identifiers: ClinVar variation 1449126 (VCV001449126.8), dbSNP rs2146209436, ClinGen allele CA410641971.

ClinVar aggregate classification (germline): Uncertain significance (1 of 4 stars; one submission).

Conditions:
Proline dehydrogenase deficiency (HYRPRO1). Also called: PROLINE OXIDASE DEFICIENCY; Hyperprolinemia type 1. Identifiers: Orphanet 419, MedGen C0268529, MONDO:0009400, OMIM 239500.

Submission:

Labcorp Genetics (formerly Invitae), Labcorp
Classification: Uncertain significance for Proline dehydrogenase deficiency. Last evaluated: 2021-07-06. Review status: criteria provided, single submitter. Criteria: Invitae Variant Classification Sherloc (09022015). Collection method: clinical testing. Allele origin: germline.
Comment: This sequence change replaces asparagine with histidine at codon 464 of the PRODH protein (p.Asn464His). The asparagine residue is highly conserved and there is a small physicochemical difference between asparagine and histidine. This variant is not present in population databases (ExAC no frequency). This variant has not been reported in the literature in individuals affected with PRODH-related conditions. Algorithms developed to predict the effect of missense changes on protein structure and function are either unavailable or do not agree on the potential impact of this missense change (SIFT: "Deleterious"; PolyPhen-2: "Benign"; Align-GVGD: "Class C0"). In summary, the available evidence is currently insufficient to determine the role of this variant in disease. Therefore, it has been classified as a Variant of Uncertain Significance.